The following is an entry in ClinVar:

ClinVar aggregate classification (germline): Likely pathogenic (1 of 4 stars; one submission).

Conditions:
Autosomal recessive polycystic kidney disease (ARPKD). Also called: AR polycystic kidney disease. Identifiers: Orphanet 731, Orphanet 8378, MedGen C0085548, MeSH D017044, MONDO:0009889.

Submission:

Natera, Inc.
Classification: Likely pathogenic for Autosomal recessive polycystic kidney disease. Last evaluated: 2025-11-03. Review status: criteria provided, single submitter. Criteria: Natera Variant Classification Schema (03/2026). Collection method: clinical testing. Allele origin: germline.
Comment: The c.11786-2A>G variant in PKHD1 is a canonical splice acceptor site variant predicted to affect pre-mRNA splicing, which may result in an abnormal transcript and altered protein product. This variant is expected to result in nonsense mediated decay, truncation, or a dysfunctional protein product. This variant is rare in the general population with a frequency below the threshold expected for the associated phenotype(s). Given the available evidence, this variant is classified as Likely Pathogenic.

NM_138694.4(PKHD1):c.11786-2A>G

Gene: PKHD1 (PKHD1 ciliary IPT domain containing fibrocystin/polyductin; minus strand). Cytogenetic location: 6p12.3.
Variant type: single nucleotide variant.
Coding change: c.11786-2A>G on transcript NM_138694.4 (MANE Select); the canonical splice acceptor site of the intron before coding-DNA position 11786, A replaced by G.
Molecular consequence: splice acceptor variant.
Genome position (GRCh38, 1-based): chr6:51,619,522, T>C on the plus strand (A>G on the coding strand, the complement: PKHD1 is on the minus strand). VCF-style: chr6-51619522-T-C. GRCh37 (hg19) VCF-style: chr6-51484320-T-C.
Identifiers: ClinVar variation 4816560 (VCV004816560.1).